The following is an entry in ClinVar:

ClinVar aggregate classification (germline): Uncertain significance (1 of 4 stars; one submission).

Conditions:
Intellectual developmental disorder, autosomal dominant 29. Also called: Intellectual disability, autosomal dominant 29; SETBP1 Haploinsufficiency Disorder. Identifiers: Orphanet 436151, MedGen C4015141, MONDO:0014482, OMIM 616078.
Schinzel-Giedion syndrome (SGS). Identifiers: Orphanet 798, MedGen C0265227, MONDO:0010010, OMIM 269150.

Submission:

Juno Genomics, Hangzhou Juno Genomics, Inc
Classification: Uncertain significance for Schinzel-Giedion syndrome; Intellectual developmental disorder, autosomal dominant 29. Review status: criteria provided, single submitter. Criteria: ACMG Guidelines, 2015. Collection method: clinical testing. Allele origin: germline.
Comment: Absent from controls (or at extremely low frequency if recessive) in Genome Aggregation Database.;Null variant in a gene where loss of function (LOF) is a known mechanism of disease.;Patient's phenotype or family history is highly specific for a disease with a single genetic etiology.

NM_015559.3(SETBP1):c.540+1G>A

Gene: SETBP1 (SET binding protein 1; plus strand). Cytogenetic location: 18q12.3.
Variant type: single nucleotide variant.
Coding change: c.540+1G>A on transcript NM_015559.3 (MANE Select); the canonical splice donor site of the intron after coding-DNA position 540, G replaced by A.
Molecular consequence: splice donor variant.
Genome position (GRCh38, 1-based): chr18:44,869,284, G>A. VCF-style: chr18-44869284-G-A. GRCh37 (hg19) VCF-style: chr18-42449249-G-A.
Other names: c.540+1G>A (NM_001379141.1, NM_001130110.2, NM_001410862.1 and 1 more transcripts).
Identifiers: ClinVar variation 3764733 (VCV003764733.4).